The following is an entry in ClinVar:

ClinVar aggregate classification (germline): Uncertain significance. Review status: criteria provided, multiple submitters, no conflicts (2 of 4 stars). 2 submissions from 2 submitters: Uncertain significance (2). Last evaluated 2026-06-17.

Conditions:
Inborn genetic diseases. Identifiers: MedGen C0950123, MeSH D030342.

Allele frequency attached by ClinVar (database versions not stated): TOPMed 0.00004; gnomAD exomes below 0.00001; gnomAD 0.00001.
gnomAD v4.1: 5 of 1,613,454 alleles (0.00031%); highest among the groups gnomAD compares: Admixed American, 0.0017%; no homozygotes.

Submissions (2):

Ambry Genetics
Classification: Uncertain significance for Inborn genetic diseases. Last evaluated: 2026-06-17. Review status: criteria provided, single submitter. Criteria: Ambry Variant Classification Scheme 2023. Collection method: clinical testing. Allele origin: germline.

GeneDx
Classification: Uncertain significance. Last evaluated: 2018-05-16. Review status: criteria provided, single submitter. Criteria: GeneDx Variant Classification (06012015). Collection method: clinical testing. Allele origin: germline. Affected: yes.
Comment: The D893N variant has not been published as a pathogenic variant, nor has it been reported as a benign variant to our knowledge. The D893N variant is not observed in large population cohorts (Lek et al., 2016). The D893N variant is a semi-conservative amino acid substitution, which may impact secondary protein structure as these residues differ in some properties. In-silico analyses, including protein predictors and evolutionary conservation, support that this variant does not alter protein structure/function. In summary, based on the currently available information, it is unclear whether this variant is a pathogenic variant or a rare benign variant.

NM_147127.5(EVC2):c.2677G>A (p.Asp893Asn)

Gene: EVC2 (EvC ciliary complex subunit 2; minus strand). Cytogenetic location: 4p16.2.
Variant type: single nucleotide variant.
Coding change: c.2677G>A on transcript NM_147127.5 (MANE Select); coding-DNA position 2677, G replaced by A.
Protein change: p.Asp893Asn; replaces aspartic acid 893 with asparagine.
Molecular consequence: missense variant.
Genome position (GRCh38, 1-based): chr4:5,618,507, C>T on the plus strand (G>A on the coding strand, the complement: EVC2 is on the minus strand). VCF-style: chr4-5618507-C-T. GRCh37 (hg19) VCF-style: chr4-5620234-C-T.
Other names: c.2437G>A, p.Asp813Asn (NM_001166136.2); short protein forms D893N, D813N.
Identifiers: ClinVar variation 546428 (VCV000546428.4), dbSNP rs1553830511, ClinGen allele CA356142999.